The following is an entry in ClinVar:

ClinVar aggregate classification (germline): Uncertain significance (1 of 4 stars; one submission).

Conditions:
Duchenne muscular dystrophy (DMD). Also called: Duchenne Muscular Dystrophy (DMD); MUSCULAR DYSTROPHY, PSEUDOHYPERTROPHIC PROGRESSIVE, DUCHENNE TYPE. Identifiers: Orphanet 98896, MedGen C0013264, MONDO:0010679, OMIM 310200.

gnomAD v4.1: 2 of 1,211,057 alleles (0.00017%); highest among the groups gnomAD compares: South Asian, 0.0035%; no homozygotes.

Submission:

Labcorp Genetics (formerly Invitae), Labcorp
Classification: Uncertain significance for Duchenne muscular dystrophy. Last evaluated: 2025-06-17. Review status: criteria provided, single submitter. Criteria: Invitae Variant Classification Sherloc (09022015). Collection method: clinical testing. Allele origin: germline.
Comment: This sequence change replaces proline, which is neutral and non-polar, with threonine, which is neutral and polar, at codon 3390 of the DMD protein (p.Pro3390Thr). This variant is not present in population databases (gnomAD no frequency). This variant has not been reported in the literature in individuals affected with DMD-related conditions. Invitae Evidence Modeling of protein sequence and biophysical properties (such as structural, functional, and spatial information, amino acid conservation, physicochemical variation, residue mobility, and thermodynamic stability) indicates that this missense variant is not expected to disrupt DMD protein function with a negative predictive value of 95%. In summary, the available evidence is currently insufficient to determine the role of this variant in disease. Therefore, it has been classified as a Variant of Uncertain Significance.

NM_004006.3(DMD):c.10168C>A (p.Pro3390Thr)

Gene: DMD (dystrophin; minus strand). Cytogenetic location: Xp21.2.
Variant type: single nucleotide variant.
Coding change: c.10168C>A on transcript NM_004006.3 (MANE Select); coding-DNA position 10168, C replaced by A.
Protein change: p.Pro3390Thr; replaces proline 3390 with threonine.
Molecular consequence: missense variant.
Genome position (GRCh38, 1-based): chrX:31,178,724, G>T on the plus strand (C>A on the coding strand, the complement: DMD is on the minus strand). VCF-style: chrX-31178724-G-T. GRCh37 (hg19) VCF-style: chrX-31196841-G-T.
Other names: c.10144C>A, p.Pro3382Thr (NM_000109.4); c.10156C>A, p.Pro3386Thr (NM_004009.3); c.9799C>A, p.Pro3267Thr (NM_004010.3); c.6145C>A, p.Pro2049Thr (NM_004011.4); c.6136C>A, p.Pro2046Thr (NM_004012.4); c.2788C>A, p.Pro930Thr (NM_004013.3, NM_004020.4, NM_004021.3 and 2 more transcripts); c.1981C>A, p.Pro661Thr (NM_004014.3); c.964C>A, p.Pro322Thr (NM_004015.3, NM_004016.3, NM_004017.3 and 2 more transcripts); short protein forms P2046T, P2049T, P322T, P3267T, P3382T, P3386T, P3390T, P661T.
Identifiers: ClinVar variation 4800938 (VCV004800938.1).
Genomic context (GRCh38, chrX:31,178,724, plus strand): 5'-CTCACGTTTCCATGTTGTCCCCCTCTAAGACAGTCTGCACTGGCAGGTAGCCCATTCGGG[G>T]ATGCTTCGCAAAATACCTTTTGGTTCGAAATTTGTTTTTTAGTACCTTGGCAAAGTCTCG-3'
Protein context (NP_003997.2, residues 3380-3400): FRTKRYFAKH[Pro3390Thr]RMGYLPVQTV